The following is an entry in ClinVar:

NM_001267550.2(TTN):c.47875+12T>G

Genes: TTN (titin; minus strand), TTN-AS1 (TTN antisense RNA 1; plus strand). Cytogenetic location: 2q31.2.
Variant type: single nucleotide variant.
Coding change: c.47875+12T>G on transcript NM_001267550.2 (MANE Select); 12 bases into the intron after coding-DNA position 47875, T replaced by G.
Molecular consequence: intron variant.
Genome position (GRCh38, 1-based): chr2:178,617,108, A>C on the plus strand (T>G on the coding strand, the complement: TTN is on the minus strand). VCF-style: chr2-178617108-A-C. GRCh37 (hg19) VCF-style: chr2-179481835-A-C.
Other names: c.20680+12T>G (NM_003319.4); c.21256+12T>G (NM_133437.4); c.21055+12T>G (NM_133432.3); c.40171+12T>G (NM_133378.4); c.42952+12T>G (NM_001256850.1).
Identifiers: ClinVar variation 893456 (VCV000893456.6), dbSNP rs758849410, ClinGen allele CA1994959.
Genomic context (GRCh38, chr2:178,617,108, plus strand): 5'-CATATTTAAGTCCCTGTTGCCCCAAAGTAGCTATGTGCTATTCCCCGATCTAAAAATAAA[A>C]TATCTATTTACCAAATGCATCGTCAGCGGTGAGAGGACCAAGAATTTCAGATGGATCTGA-3'

ClinVar aggregate classification (germline): Conflicting classifications of pathogenicity. Review status: criteria provided, conflicting classifications (1 of 4 stars). 6 submissions from 2 submitters: Uncertain significance (3); Benign (2); Likely benign (1). Last evaluated 2024-04-25.

Conditions:
Autosomal recessive limb-girdle muscular dystrophy type 2J (LGMDR10). Also called: Limb-girdle muscular dystrophy, type 2J; MUSCULAR DYSTROPHY, LIMB-GIRDLE, AUTOSOMAL RECESSIVE 10. Identifiers: Orphanet 140922, MedGen C1837342, MONDO:0012127, OMIM 608807.
Dilated cardiomyopathy 1G (CMD1G). Identifiers: Orphanet 154, MedGen C1858763, MONDO:0011400, OMIM 604145.
Early-onset myopathy with fatal cardiomyopathy (CMYO5). Also called: CONGENITAL MYOPATHY 5 WITH CARDIOMYOPATHY; Salih Myopathy. Identifiers: Orphanet 289377, MedGen C2673677, MONDO:0012714, OMIM 611705. Disease mechanism: loss of function.
Myopathy, myofibrillar, 9, with early respiratory failure (MFM9). Also called: EDSTROM MYOPATHY; MYOPATHY, PROXIMAL, WITH EARLY RESPIRATORY MUSCLE INVOLVEMENT; Myopathy, distal, with early respiratory failure, autosomal dominant; Hereditary myopathy with early respiratory failure. Identifiers: Orphanet 178464, Orphanet 34521, MedGen C1863599, MONDO:0011362, OMIM 603689.
Tibial muscular dystrophy (TMD). Also called: Tibial muscular dystrophy, tardive; UDD MYOPATHY; Udd Distal Myopathy – Tibial Muscular Dystrophy. Identifiers: Orphanet 609, MedGen C1838244, MONDO:0010870, OMIM 600334.

Allele frequency attached by ClinVar (database versions not stated): gnomAD exomes 0.00001; ExAC 0.00002.
gnomAD v4.1: 9 of 1,610,414 alleles (0.00056%); highest among the groups gnomAD compares: South Asian, 0.0088%; no homozygotes.

Submissions (6):

Labcorp Genetics (formerly Invitae), Labcorp
Classification: Likely benign for Dilated cardiomyopathy 1G; Autosomal recessive limb-girdle muscular dystrophy type 2J. Last evaluated: 2024-04-25. Review status: criteria provided, single submitter. Criteria: Invitae Variant Classification Sherloc (09022015). Collection method: clinical testing. Allele origin: germline.

Illumina Laboratory Services, Illumina
Classification: Uncertain significance for Early-onset myopathy with fatal cardiomyopathy. Last evaluated: 2018-01-12. Review status: criteria provided, single submitter. Criteria: ICSL Variant Classification Criteria 13 December 2019. Collection method: clinical testing. Allele origin: germline.

Illumina Laboratory Services, Illumina
Classification: Uncertain significance for Autosomal recessive limb-girdle muscular dystrophy type 2J. Last evaluated: 2018-01-12. Review status: criteria provided, single submitter. Criteria: ICSL Variant Classification Criteria 13 December 2019. Collection method: clinical testing. Allele origin: germline.

Illumina Laboratory Services, Illumina
Classification: Uncertain significance for Dilated cardiomyopathy 1G. Last evaluated: 2018-01-12. Review status: criteria provided, single submitter. Criteria: ICSL Variant Classification Criteria 13 December 2019. Collection method: clinical testing. Allele origin: germline.

Illumina Laboratory Services, Illumina
Classification: Benign for Myopathy, myofibrillar, 9, with early respiratory failure. Last evaluated: 2018-01-12. Review status: criteria provided, single submitter. Criteria: ICSL Variant Classification Criteria 13 December 2019. Collection method: clinical testing. Allele origin: germline.
Comment: This variant was observed in the ICSL laboratory as part of a predisposition screen in an ostensibly healthy population. It had not been previously curated by ICSL or reported in the Human Gene Mutation Database (HGMD: prior to June 1st, 2018), and was therefore a candidate for classification through an automated scoring system. Utilizing variant allele frequency, disease prevalence and penetrance estimates, and inheritance mode, an automated score was calculated to assess if this variant is too frequent to cause the disease. Based on the score and internal cut-off values, a variant classified as benign is not then subjected to further curation. The score for this variant resulted in a classification of benign for this disease.

Illumina Laboratory Services, Illumina
Classification: Benign for Tibial muscular dystrophy. Last evaluated: 2018-01-12. Review status: criteria provided, single submitter. Criteria: ICSL Variant Classification Criteria 13 December 2019. Collection method: clinical testing. Allele origin: germline.
Comment: the same text as in the submission from Illumina Laboratory Services, Illumina above.